The following is an entry in ClinVar:

ClinVar aggregate classification (germline): Uncertain significance (1 of 4 stars; one submission).

Allele frequency attached by ClinVar (database versions not stated): gnomAD 0.00001.
gnomAD v4.1: 1 of 1,612,738 alleles (0.000062%); highest among the groups gnomAD compares: African/African-American, 0.0013%; no homozygotes.

Submission:

Labcorp Genetics (formerly Invitae), Labcorp
Classification: Uncertain significance. Last evaluated: 2022-11-15. Review status: criteria provided, single submitter. Criteria: Invitae Variant Classification Sherloc (09022015). Collection method: clinical testing. Allele origin: germline.
Comment: Algorithms developed to predict the effect of missense changes on protein structure and function are either unavailable or do not agree on the potential impact of this missense change (SIFT: "Deleterious"; PolyPhen-2: "Probably Damaging"; Align-GVGD: "Class C0"). This variant has not been reported in the literature in individuals affected with KLHL7-related conditions. This variant is not present in population databases (gnomAD no frequency). This sequence change replaces valine, which is neutral and non-polar, with leucine, which is neutral and non-polar, at codon 46 of the KLHL7 protein (p.Val46Leu). In summary, the available evidence is currently insufficient to determine the role of this variant in disease. Therefore, it has been classified as a Variant of Uncertain Significance.

NM_001031710.3(KLHL7):c.136G>C (p.Val46Leu)

Gene: KLHL7 (kelch like family member 7; plus strand). Cytogenetic location: 7p15.3.
Variant type: single nucleotide variant.
Coding change: c.136G>C on transcript NM_001031710.3 (MANE Select); coding-DNA position 136, G replaced by C.
Protein change: p.Val46Leu; replaces valine 46 with leucine.
Molecular consequence: missense variant. On other transcripts: 5 prime UTR variant (1), non-coding transcript variant (2).
Genome position (GRCh38, 1-based): chr7:23,123,792, G>C. VCF-style: chr7-23123792-G-C. GRCh37 (hg19) VCF-style: chr7-23163411-G-C.
Other names: c.136G>C, p.Val46Leu (NM_001172428.2); c.-9G>C (NM_018846.5); short protein forms V46L.
Identifiers: ClinVar variation 2093410 (VCV002093410.4), dbSNP rs1257670851, ClinGen allele CA366974570.